The following is an entry in ClinVar:

NM_000492.4(CFTR):c.4358G>A (p.Arg1453Gln)

Genes: CFTR (CF transmembrane conductance regulator; plus strand), LOC111674477 (CFTR intron 23 enhancer; plus strand). Cytogenetic location: 7q31.2.
Variant type: single nucleotide variant.
Coding change: c.4358G>A on transcript NM_000492.4 (MANE Select); coding-DNA position 4358, G replaced by A.
Protein change: p.Arg1453Gln; replaces arginine 1453 with glutamine.
Molecular consequence: missense variant.
Genome position (GRCh38, 1-based): chr7:117,667,023, G>A. VCF-style: chr7-117667023-G-A. GRCh37 (hg19) VCF-style: chr7-117307077-G-A.
Other names: short protein forms R1453Q.
Identifiers: ClinVar variation 1739976 (VCV001739976.7), dbSNP rs141554123, ClinGen allele CA4451699.

ClinVar aggregate classification (germline): Conflicting classifications of pathogenicity. Review status: criteria provided, conflicting classifications (1 of 4 stars). 4 submissions from 4 submitters: Uncertain significance (2); Likely benign (1). 1 of the submissions does not count toward it. Last evaluated 2025-01-17.

Conditions:
CFTR-related disorder (CFTR-RD). Also called: CFTR-related condition; CFTR-related disorders. Identifiers: MedGen C5924204, MONDO:7770004.
Cystic fibrosis (CF). Also called: MUCOVISCIDOSIS. Identifiers: Orphanet 586, MedGen C0010674, MONDO:0009061, OMIM 219700. Disease mechanism: loss of function.

Allele frequency attached by ClinVar (database versions not stated): 1000 Genomes Project 30x 0.00078; TOPMed 0.00002; ExAC 0.00017; gnomAD 0.00005; 1000 Genomes Project 0.00080; gnomAD exomes 0.00005; ESP Exome Variant Server 0.00008.
gnomAD v4.1: 82 of 1,614,000 alleles (0.0051%); highest among the groups gnomAD compares: South Asian, 0.075%; no homozygotes.

Submissions (4):

ARUP Laboratories, Molecular Genetics and Genomics, ARUP Laboratories
Classification: Uncertain significance. Last evaluated: 2025-01-17. Review status: criteria provided, single submitter. Criteria: ARUP Molecular Germline Variant Investigation Process 2024. Collection method: clinical testing. Allele origin: germline.
Comment: The CFTR c.4358G>A; p.Arg1453Gln variant (rs141554123, ClinVar Variation ID: 1739976), is reported in an individual with primary sclerosing cholangitis (Werlin 2018) and in individuals from a cohort with azoospermia/oligozoospermia (Oud 2017). This variant is found in the general population with an overall allele frequency of 0.01% (34/251024 alleles) in the Genome Aggregation Database (v2.1.1). Computational analyses are uncertain whether this variant is neutral or deleterious (REVEL: 0.424). Due to limited information, the clinical significance of this variant is uncertain at this time. References: Oud MS et al. Validation and application of a novel integrated genetic screening method to a cohort of 1,112 men with idiopathic azoospermia or severe oligozoospermia. Hum Mutat. 2017 Nov;38(11):1592-1605. PMID: 28801929. Werlin S et al. Primary sclerosing cholangitis is associated with abnormalities in CFTR. J Cyst Fibros. 2018 Sep;17(5):666-671. PMID: 29807875.

Ambry Genetics
Classification: Likely benign for Cystic fibrosis. Last evaluated: 2024-01-02. Review status: criteria provided, single submitter. Criteria: Ambry Variant Classification Scheme 2023. Collection method: clinical testing. Allele origin: germline.

Labcorp Genetics (formerly Invitae), Labcorp
Classification: Uncertain significance for Cystic fibrosis. Last evaluated: 2021-10-15. Review status: criteria provided, single submitter. Criteria: Invitae Variant Classification Sherloc (09022015). Collection method: clinical testing. Allele origin: germline.
Comment: This sequence change replaces arginine with glutamine at codon 1453 of the CFTR protein (p.Arg1453Gln). The arginine residue is moderately conserved and there is a small physicochemical difference between arginine and glutamine. This variant is present in population databases (rs141554123, ExAC 0.1%). This variant has not been reported in the literature in individuals affected with CFTR-related conditions. Algorithms developed to predict the effect of missense changes on protein structure and function output the following: SIFT: "Tolerated"; PolyPhen-2: "Benign"; Align-GVGD: "Class C0". The glutamine amino acid residue is found in multiple mammalian species, which suggests that this missense change does not adversely affect protein function. Algorithms developed to predict the effect of sequence changes on RNA splicing suggest that this variant may create or strengthen a splice site. In summary, the available evidence is currently insufficient to determine the role of this variant in disease. Therefore, it has been classified as a Variant of Uncertain Significance.

PreventionGenetics, part of Exact Sciences
Classification: Uncertain significance for CFTR-related condition. Last evaluated: 2024-09-13. Review status: no assertion criteria provided. Collection method: clinical testing. Allele origin: germline. Not counted in ClinVar's aggregate classification.
Comment: The CFTR c.4358G>A variant is predicted to result in the amino acid substitution p.Arg1453Gln. This variant has been documented in an individual from a cohort of patients with azoospermia or severe oligiozoospermia (Patient 27 in Table S4, Oud et al. 2017. PubMed ID: 28801929) and in male individuals with congenital bilateral absence of vas deferens (Gaikwad et al. 2020. PubMed ID: 34145097). This variant has also been reported in an individual with primary sclerosing cholangitis that also had additional CFTR variants (Patient 15, Werlin et al. 2018. PubMed ID: 29807875). This variant is reported in 0.098% of alleles in individuals of South Asian descent in gnomAD. In addition, another variant impacting the same amino acid (p.Arg1453Trp) has been reported in patients with pancreatitis (Iso et al. 2019. PubMed ID: 30992994; Kondo et al. 2015. PubMed ID: 26089335; Nakano et al. 2015. PubMed ID: 25492507). At this time, the clinical significance of the c.4358G>A (p.Arg1453Gln) variant is uncertain due to the absence of conclusive functional and genetic evidence.

Literature cited by the submitters: PubMed 28801929 (cited by Ambry Genetics); PubMed 29807875 (cited by Ambry Genetics).